The following is an entry in ClinVar:

ClinVar aggregate classification (germline): Uncertain significance. Review status: criteria provided, multiple submitters, no conflicts (2 of 4 stars). 6 submissions from 6 submitters: Uncertain significance (5). 1 of the submissions does not count toward it. Last evaluated 2025-03-10.

Conditions:
Hereditary cancer-predisposing syndrome. Also called: Tumor predisposition; Hereditary Cancer Syndrome; Hereditary neoplastic syndrome; Neoplastic Syndromes, Hereditary. Identifiers: Orphanet 140162, MedGen C0027672, MeSH D009386, MONDO:0015356.
Familial adenomatous polyposis 1 (FAP1). Also called: FAMILIAL ADENOMATOUS POLYPOSIS 1, ATTENUATED; POLYPOSIS, ADENOMATOUS INTESTINAL. Identifiers: MedGen C2713442, MONDO:0021056, OMIM 175100. Disease mechanism: loss of function.
Classic or attenuated familial adenomatous polyposis. Identifiers: MedGen CN372698, MONDO:0021057.

Allele frequency attached by ClinVar (database versions not stated): gnomAD exomes below 0.00001; gnomAD 0.00001; TOPMed 0.00001.
gnomAD v4.1: 2 of 1,613,506 alleles (0.00012%); highest among the groups gnomAD compares: African/African-American, 0.0027%; no homozygotes.

Submissions (6):

Ambry Genetics
Classification: Uncertain significance for Hereditary cancer-predisposing syndrome. Last evaluated: 2025-03-10. Review status: criteria provided, single submitter. Criteria: Ambry Variant Classification Scheme 2023. Collection method: clinical testing. Allele origin: germline.
Comment: The p.S1964F variant (also known as c.5891C>T), located in coding exon 15 of the APC gene, results from a C to T substitution at nucleotide position 5891. The serine at codon 1964 is replaced by phenylalanine, an amino acid with highly dissimilar properties. This variant has been reported in an individual diagnosed with colorectal cancer (Yurgelun MB et al. J Clin Oncol, 2017 Apr;35:1086-1095). This amino acid position is highly conserved in available vertebrate species. In addition, in silico predictors for this gene do not accurately predict pathogenicity. Missense alterations in APC are not a common cause of disease (Spier I et al. Genet Med. 2024 Feb;26(2):100992). Based on the available evidence, the clinical significance of this variant remains unclear.

Labcorp Genetics (formerly Invitae), Labcorp
Classification: Uncertain significance for Familial adenomatous polyposis 1. Last evaluated: 2024-10-28. Review status: criteria provided, single submitter. Criteria: Invitae Variant Classification Sherloc (09022015). Collection method: clinical testing. Allele origin: germline.
Comment: This sequence change replaces serine, which is neutral and polar, with phenylalanine, which is neutral and non-polar, at codon 1964 of the APC protein (p.Ser1964Phe). This variant is not present in population databases (gnomAD no frequency). This missense change has been observed in individual(s) with colorectal cancer (PMID: 28135145). ClinVar contains an entry for this variant (Variation ID: 411372). Invitae Evidence Modeling of protein sequence and biophysical properties (such as structural, functional, and spatial information, amino acid conservation, physicochemical variation, residue mobility, and thermodynamic stability) indicates that this missense variant is not expected to disrupt APC protein function with a negative predictive value of 95%. In summary, the available evidence is currently insufficient to determine the role of this variant in disease. Therefore, it has been classified as a Variant of Uncertain Significance.

All of Us Research Program, National Institutes of Health
Classification: Uncertain significance for Classic or attenuated familial adenomatous polyposis. Last evaluated: 2024-07-10. Review status: criteria provided, single submitter. Criteria: ACMG Guidelines, 2015. Collection method: clinical testing. Allele origin: germline. Inheritance: Autosomal dominant inheritance. Observed: 2 variant alleles, 2 heterozygotes.
Comment: This missense variant replaces serine with phenylalanine at codon 1964 of the APC protein. Computational prediction is inconclusive regarding the impact of this variant on protein structure and function (internally defined REVEL score threshold 0.5 < inconclusive < 0.7, PMID: 27666373). To our knowledge, functional studies have not been reported for this variant. This variant has been reported in an individual affected with colorectal cancer (PMID: 28135145). This variant has not been identified in the general population by the Genome Aggregation Database (gnomAD). The available evidence is insufficient to determine the role of this variant in disease conclusively. Therefore, this variant is classified as a Variant of Uncertain Significance.

This study involves interpretation of variants in research participants for the purpose of population health screening. Participant phenotype was not available at the time of variant classification. Additional details can be found in publication PMID: 35346344, PMCID: PMC8962531

Color Diagnostics, LLC DBA Color Health
Classification: Uncertain significance for Hereditary cancer-predisposing syndrome. Last evaluated: 2024-06-13. Review status: criteria provided, single submitter. Criteria: ACMG Guidelines, 2015. Collection method: clinical testing. Allele origin: germline.
Comment: This missense variant replaces serine with phenylalanine at codon 1964 of the APC protein. Computational prediction is inconclusive regarding the impact of this variant on protein structure and function (internally defined REVEL score threshold 0.5 < inconclusive < 0.7, PMID: 27666373). To our knowledge, functional studies have not been reported for this variant. This variant has been reported in an individual affected with colorectal cancer (PMID: 28135145). This variant has not been identified in the general population by the Genome Aggregation Database (gnomAD). The available evidence is insufficient to determine the role of this variant in disease conclusively. Therefore, this variant is classified as a Variant of Uncertain Significance.

Myriad Genetics, Inc.
Classification: Uncertain significance for Familial adenomatous polyposis 1. Last evaluated: 2023-02-14. Review status: criteria provided, single submitter. Criteria: Myriad Autosomal Dominant, Autosomal Recessive and X-Linked Classification Criteria (2023). Collection method: clinical testing. Allele origin: unknown.
Comment: This variant is classified as a variant of uncertain significance as there is insufficient evidence to determine its impact on protein function and/or cancer risk.

Counsyl
Classification: Uncertain significance for Familial adenomatous polyposis 1. Last evaluated: 2017-10-27. Review status: no assertion criteria provided. Collection method: clinical testing. Allele origin: unknown. Not counted in ClinVar's aggregate classification.

Literature cited by the submitters: PubMed 28135145 (cited by 5 submitters).

NM_000038.6(APC):c.5891C>T (p.Ser1964Phe)

Gene: APC (APC regulator of Wnt signaling pathway; plus strand). Cytogenetic location: 5q22.2.
Variant type: single nucleotide variant.
Coding change: c.5891C>T on transcript NM_000038.6 (MANE Select); coding-DNA position 5891, C replaced by T.
Protein change: p.Ser1964Phe; replaces serine 1964 with phenylalanine.
Molecular consequence: missense variant.
Genome position (GRCh38, 1-based): chr5:112,841,485, C>T. VCF-style: chr5-112841485-C-T. GRCh37 (hg19) VCF-style: chr5-112177182-C-T.
Other names: c.5891C>T, p.Ser1964Phe (NM_001127510.3, NM_001354895.2); c.5837C>T, p.Ser1946Phe (NM_001127511.3); c.5945C>T, p.Ser1982Phe (NM_001354896.2); c.5921C>T, p.Ser1974Phe (NM_001354897.2); c.5816C>T, p.Ser1939Phe (NM_001354898.2); c.5807C>T, p.Ser1936Phe (NM_001354899.2); c.5768C>T, p.Ser1923Phe (NM_001354900.2); c.5714C>T, p.Ser1905Phe (NM_001354901.2); and 5 more; short protein forms S1946F, S1964F, S1681F, S1838F, S1905F, S1936F, S1939F, S1974F.
Identifiers: ClinVar variation 411372 (VCV000411372.23), dbSNP rs1060503274, ClinGen allele CA16034224.